The following is an entry in ClinVar:

NM_181872.6(DMRT2):c.85G>T (p.Ala29Ser)

Gene: DMRT2 (doublesex and mab-3 related transcription factor 2; plus strand). Cytogenetic location: 9p24.3.
Variant type: single nucleotide variant.
Coding change: c.85G>T on transcript NM_181872.6 (MANE Select); coding-DNA position 85, G replaced by T.
Protein change: p.Ala29Ser; replaces alanine 29 with serine.
Molecular consequence: missense variant. On other transcripts: 5 prime UTR variant (1), non-coding transcript variant (1).
Genome position (GRCh38, 1-based): chr9:1,051,698, G>T. VCF-style: chr9-1051698-G-T. GRCh37 (hg19) VCF-style: chr9-1051698-G-T.
Other names: c.85G>T, p.Ala29Ser (NM_001130865.3, NM_001370531.1, NM_001370533.1 and 4 more transcripts); c.-566G>T (NM_001370532.1); c.85G>T (NM_181872.4); short protein forms A29S.
Identifiers: ClinVar variation 1413724 (VCV001413724.10), dbSNP rs997632409, ClinGen allele CA4962288.
Genomic context (GRCh38, chr9:1,051,698, plus strand): 5'-GCGGCCGGGGACTGGGAGATCGATGTCGAGAGCCTGGAGCTGGAAGAGGACGTCTGCGGG[G>T]CGCCGCGGTCCACGCCCCCCGGGCCCAGCCCGCCGCCGGCGGACGGGGACTGCGAGGACG-3'
Protein context (NP_870987.2, residues 19-39): SLELEEDVCG[Ala29Ser]PRSTPPGPSP

ClinVar aggregate classification (germline): Uncertain significance. Review status: criteria provided, multiple submitters, no conflicts (2 of 4 stars). 2 submissions from 2 submitters: Uncertain significance (2). Last evaluated 2025-04-16.

Allele frequency attached by ClinVar (database versions not stated): ExAC 0.00007; gnomAD exomes 0.00014 and 0.00016; gnomAD 0.00021; TOPMed 0.00021.
gnomAD v4.1: 247 of 1,555,590 alleles (0.016%); highest among the groups gnomAD compares: Admixed American, 0.021%; no homozygotes.

Submissions (2):

Labcorp Genetics (formerly Invitae), Labcorp
Classification: Uncertain significance. Last evaluated: 2025-04-16. Review status: criteria provided, single submitter. Criteria: Invitae Variant Classification Sherloc (09022015). Collection method: clinical testing. Allele origin: germline.
Comment: This sequence change replaces alanine, which is neutral and non-polar, with serine, which is neutral and polar, at codon 29 of the DMRT2 protein (p.Ala29Ser). This variant is present in population databases (no rsID available, gnomAD 0.03%). This variant has not been reported in the literature in individuals affected with DMRT2-related conditions. ClinVar contains an entry for this variant (Variation ID: 1413724). An algorithm developed to predict the effect of missense changes on protein structure and function (PolyPhen-2) suggests that this variant is likely to be tolerated. In summary, the available evidence is currently insufficient to determine the role of this variant in disease. Therefore, it has been classified as a Variant of Uncertain Significance.

Ambry Genetics
Classification: Uncertain significance. Last evaluated: 2024-06-02. Review status: criteria provided, single submitter. Criteria: Ambry Variant Classification Scheme 2023. Collection method: clinical testing. Allele origin: germline.